The following is an entry in ClinVar:

NM_001384474.1(LOXHD1):c.4742A>G (p.Glu1581Gly)

Gene: LOXHD1 (lipoxygenase homology PLAT domains 1; minus strand). Cytogenetic location: 18q21.1.
Variant type: single nucleotide variant.
Coding change: c.4742A>G on transcript NM_001384474.1 (MANE Select); coding-DNA position 4742, A replaced by G.
Protein change: p.Glu1581Gly; replaces glutamic acid 1581 with glycine.
Molecular consequence: missense variant.
Genome position (GRCh38, 1-based): chr18:46,524,600, T>C on the plus strand (A>G on the coding strand, the complement: LOXHD1 is on the minus strand). VCF-style: chr18-46524600-T-C. GRCh37 (hg19) VCF-style: chr18-44104563-T-C.
Other names: c.1409A>G, p.Glu470Gly (NM_001145472.3); c.1121A>G, p.Glu374Gly (NM_001308013.2); c.4742A>G, p.Glu1581Gly (NM_144612.7); short protein forms E1581G, E374G, E470G.
Identifiers: ClinVar variation 517645 (VCV000517645.4), dbSNP rs1555670255, ClinGen allele CA402373073.
Genomic context (GRCh38, chr18:46,524,600, plus strand): 5'-AGGGCGATCTCCCAGAAGTCAGCAGGGCTGCTGCAGTTGCTGCTGCGGTCCCCAGTGTAC[T>C]CCTGTGTGGGAGAGCAGGACTGGCAGTTGCAGCTCCAGCACCTCCACCTCGAGGGACCTC-3'
Protein context (NP_001371403.1, residues 1571-1591): GRLERLFYEK[Glu1581Gly]YTGDRSSNCS

ClinVar aggregate classification (germline): Uncertain significance (1 of 4 stars; one submission).

Allele frequency attached by ClinVar (database versions not stated): gnomAD exomes below 0.00001; TOPMed below 0.00001.
gnomAD v4.1: 2 of 1,551,710 alleles (0.00013%); highest among the groups gnomAD compares: Non-Finnish European, 0.00017%; no homozygotes.

Submission:

Laboratory for Molecular Medicine, Mass General Brigham Personalized Medicine
Classification: Uncertain significance. Last evaluated: 2017-11-22. Review status: criteria provided, single submitter. Criteria: LMM Criteria. Collection method: clinical testing. Allele origin: germline. Observed: 1 variant allele.
Comment: The p.Glu1581Gly variant in LOXHD1 has not been previously reported in individua ls with hearing loss or in large population studies. Computational prediction to ols and conservation analysis suggest that the variant may impact the protein, t hough this information is not predictive enough to determine pathogenicity. In s ummary, the clinical significance of the p.Glu1581Gly variant is uncertain. ACMG /AMP Criteria applied: PM2, PP3.